The following is an entry in ClinVar:

NM_020975.6(RET):c.1160del (p.Gly387fs)

Gene: RET (ret proto-oncogene; plus strand). Cytogenetic location: 10q11.21.
Variant type: Deletion.
Coding change: c.1160del on transcript NM_020975.6 (MANE Select); coding-DNA position 1160, one base deleted (G; older notation c.1160delG).
Protein change: p.Gly387fs; shifts the reading frame from glycine 387.
Molecular consequence: frameshift variant. On other transcripts: intron variant (18).
Genome position (GRCh38, 1-based): chr10:43,109,127, G deleted; the last of 3 consecutive G bases (chr10:43,109,125-43,109,127); deleting any one gives the same sequence. VCF-style (leftmost placement, unchanged base first): chr10-43109124-CG-C. GRCh37 (hg19) VCF-style: chr10-43604572-CG-C.
Other names: c.1160delG, p.Gly387Alafs (NM_000323.2, NM_020629.2); c.398del, p.Gly133fs (NM_001355216.2); c.1160del, p.Gly387fs (NM_001406743.1, NM_001406744.1, NM_001406759.1 and 4 more transcripts); c.1031del, p.Gly344fs (NM_001406761.1, NM_001406762.1, NM_001406764.1 and 1 more transcripts); c.872del, p.Gly291fs (NM_001406766.1, NM_001406767.1, NM_001406770.1); c.722del, p.Gly241fs (NM_001406771.1, NM_001406773.1); c.434del, p.Gly145fs (NM_001406775.1, NM_001406776.1, NM_001406777.1 and 1 more transcripts); c.170del, p.Gly57fs (NM_001406784.1); and 6 more; short protein forms G387fs, G57fs, G145fs, G344fs, G133fs, G241fs, G291fs.
Identifiers: ClinVar variation 2817143 (VCV002817143.3), dbSNP rs2538424730, ClinGen allele CA2739265340.

ClinVar aggregate classification (germline): Pathogenic (1 of 4 stars; one submission).

Conditions:
Multiple endocrine neoplasia, type 2 (MEN2). Identifiers: Orphanet 653, MedGen C4048306, MONDO:0019003. Disease mechanism: gain of function.

Submission:

Labcorp Genetics (formerly Invitae), Labcorp
Classification: Pathogenic for Multiple endocrine neoplasia, type 2. Last evaluated: 2022-12-15. Review status: criteria provided, single submitter. Criteria: Invitae Variant Classification Sherloc (09022015). Collection method: clinical testing. Allele origin: germline.
Comment: For these reasons, this variant has been classified as Pathogenic. This variant has not been reported in the literature in individuals affected with RET-related conditions. This variant is not present in population databases (gnomAD no frequency). This sequence change creates a premature translational stop signal (p.Gly387Alafs*26) in the RET gene. It is expected to result in an absent or disrupted protein product. Loss-of-function variants in RET are known to be pathogenic (PMID: 22174939, 22648184).

Literature cited by the submitters: PubMed 22174939; PubMed 22648184.